The following is an entry in ClinVar:

ClinVar aggregate classification (germline): Likely benign. Review status: criteria provided, multiple submitters, no conflicts (2 of 4 stars). 2 submissions from 2 submitters: Likely benign (2). Last evaluated 2018-06-16.

Allele frequency attached by ClinVar (database versions not stated): gnomAD 0.00707 and 0.00757; TOPMed 0.00839; 1000 Genomes Project 0.00699; 1000 Genomes Project 30x 0.00796.

Submissions (2):

GeneDx
Classification: Likely benign. Last evaluated: 2018-06-16. Review status: criteria provided, single submitter. Criteria: GeneDx Variant Classification (06012015). Collection method: clinical testing. Allele origin: germline. Affected: yes.
Comment: This variant is considered likely benign or benign based on one or more of the following criteria: it is a conservative change, it occurs at a poorly conserved position in the protein, it is predicted to be benign by multiple in silico algorithms, and/or has population frequency not consistent with disease.

Breakthrough Genomics
Classification: Likely benign. Review status: criteria provided, single submitter. Criteria: ACMG Guidelines, 2015. Collection method: not provided. Allele origin: germline. Inheritance: Autosomal recessive inheritance. Affected: yes.

NM_001098.2(ACO2):c.-118G>C

Gene: ACO2 (aconitase 2; plus strand). Cytogenetic location: 22q13.2.
Variant type: single nucleotide variant.
Coding change: c.-118G>C on transcript NM_001098.2; 118 bases upstream of the start codon, G replaced by C.
Genome position (GRCh38, 1-based): chr22:41,469,029, G>C. VCF-style: chr22-41469029-G-C. GRCh37 (hg19) VCF-style: chr22-41865033-G-C.
Identifiers: ClinVar variation 677692 (VCV000677692.4), dbSNP rs143152687, ClinGen allele CA324586161.